The following is an entry in ClinVar:

NM_001130438.3(SPTAN1):c.6021T>C (p.Asp2007=)

Gene: SPTAN1 (spectrin alpha, non-erythrocytic 1; plus strand). Cytogenetic location: 9q34.11.
Variant type: single nucleotide variant.
Coding change: c.6021T>C on transcript NM_001130438.3 (MANE Select); coding-DNA position 6021, T replaced by C.
Protein change: p.Asp2007=; no amino-acid change (aspartic acid 2007 retained).
Molecular consequence: synonymous variant.
Genome position (GRCh38, 1-based): chr9:128,625,131, T>C. VCF-style: chr9-128625131-T-C. GRCh37 (hg19) VCF-style: chr9-131387410-T-C.
Other names: p.Asp2007=; c.6021T>C, p.Asp2007= (NM_001375313.1, NM_001363759.2, NM_001375310.1 and 1 more transcripts); c.5961T>C, p.Asp1987= (NM_001375314.2, NM_001438442.1, NM_001363765.2); c.6057T>C, p.Asp2019= (NM_001375318.1, NM_001438440.1, NM_001375312.2); c.5946T>C, p.Asp1982= (NM_001438441.1, NM_001438444.1, NM_001195532.2); c.6006T>C, p.Asp2002= (NM_001438443.1, NM_001438445.1, NM_003127.4).
Identifiers: ClinVar variation 4683440 (VCV004683440.1).

ClinVar aggregate classification (germline): Likely benign (1 of 4 stars; one submission).

Submission:

Mayo Clinic Laboratories, Mayo Clinic
Classification: Likely benign. Last evaluated: 2025-05-12. Review status: criteria provided, single submitter. Criteria: ACMG Guidelines, 2015. Collection method: clinical testing. Allele origin: germline. Observed: 1 variant allele.
Comment: BP4, BP7